The following is an entry in ClinVar:

ClinVar aggregate classification (germline): Uncertain significance. Review status: criteria provided, multiple submitters, no conflicts (2 of 4 stars). 2 submissions from 2 submitters: Uncertain significance (2). Last evaluated 2024-08-30.

Conditions:
Hereditary cancer-predisposing syndrome. Also called: Tumor predisposition; Hereditary neoplastic syndrome; Hereditary Cancer Syndrome; Neoplastic Syndromes, Hereditary. Identifiers: Orphanet 140162, MedGen C0027672, MeSH D009386, MONDO:0015356.
Familial cancer of breast. Also called: BREAST CANCER, FAMILIAL; Hereditary breast cancer; hereditary breast carcinoma. Identifiers: Orphanet 227535, MedGen C0346153, MONDO:0016419, OMIM 114480. Disease mechanism: loss of function.

Submissions (2):

Ambry Genetics
Classification: Uncertain significance for Hereditary cancer-predisposing syndrome. Last evaluated: 2024-08-30. Review status: criteria provided, single submitter. Criteria: Ambry Variant Classification Scheme 2023. Collection method: clinical testing. Allele origin: germline.
Comment: The p.V183F variant (also known as c.547G>T), located in coding exon 4 of the BARD1 gene, results from a G to T substitution at nucleotide position 547. The valine at codon 183 is replaced by phenylalanine, an amino acid with highly similar properties. This amino acid position is conserved. In addition, this alteration is predicted to be tolerated by in silico analysis. Since supporting evidence is limited at this time, the clinical significance of this alteration remains unclear.

Labcorp Genetics (formerly Invitae), Labcorp
Classification: Uncertain significance for Familial cancer of breast. Last evaluated: 2024-02-09. Review status: criteria provided, single submitter. Criteria: Invitae Variant Classification Sherloc (09022015). Collection method: clinical testing. Allele origin: germline.
Comment: This sequence change replaces valine, which is neutral and non-polar, with phenylalanine, which is neutral and non-polar, at codon 183 of the BARD1 protein (p.Val183Phe). This variant is not present in population databases (gnomAD no frequency). This variant has not been reported in the literature in individuals affected with BARD1-related conditions. ClinVar contains an entry for this variant (Variation ID: 935384). An algorithm developed to predict the effect of missense changes on protein structure and function (PolyPhen-2) suggests that this variant is likely to be tolerated. In summary, the available evidence is currently insufficient to determine the role of this variant in disease. Therefore, it has been classified as a Variant of Uncertain Significance.

NM_000465.4(BARD1):c.547G>T (p.Val183Phe)

Gene: BARD1 (BRCA1 associated RING domain 1; minus strand). Cytogenetic location: 2q35.
Variant type: single nucleotide variant.
Coding change: c.547G>T on transcript NM_000465.4 (MANE Select); coding-DNA position 547, G replaced by T.
Protein change: p.Val183Phe; replaces valine 183 with phenylalanine.
Molecular consequence: missense variant. On other transcripts: non-coding transcript variant (2), intron variant (3).
Genome position (GRCh38, 1-based): chr2:214,781,327, C>A on the plus strand (G>T on the coding strand, the complement: BARD1 is on the minus strand). VCF-style: chr2-214781327-C-A. GRCh37 (hg19) VCF-style: chr2-215646051-C-A.
Other names: c.490G>T, p.Val164Phe (NM_001282543.2); c.158+28085G>T (NM_001282548.2); c.215+15734G>T (NM_001282545.2); c.364+10970G>T (NM_001282549.2); short protein forms V183F, V164F.
Identifiers: ClinVar variation 935384 (VCV000935384.14), dbSNP rs1695018814, ClinGen allele CA350457411.